The following is an entry in ClinVar:

ClinVar aggregate classification (germline): Likely benign. Review status: criteria provided, multiple submitters, no conflicts (2 of 4 stars). 2 submissions from 2 submitters: Likely benign (2). Last evaluated 2026-07-07.

Conditions:
Rhabdoid tumor predisposition syndrome 2 (RTPS2). Identifiers: Orphanet 231108, Orphanet 69077, MedGen C2750074, MONDO:0013224, OMIM 613325.

Submissions (2):

Myriad Genetics, Inc.
Classification: Likely benign for Rhabdoid tumor predisposition syndrome 2. Last evaluated: 2026-07-07. Review status: criteria provided, single submitter. Criteria: Myriad Autosomal Dominant, Autosomal Recessive and X-Linked Classification Criteria (2023). Collection method: clinical testing. Allele origin: unknown.
Comment: This variant is considered likely benign. This variant is intronic and is not expected to impact mRNA splicing.

Labcorp Genetics (formerly Invitae), Labcorp
Classification: Likely benign for Rhabdoid tumor predisposition syndrome 2. Last evaluated: 2025-04-27. Review status: criteria provided, single submitter. Criteria: Invitae Variant Classification Sherloc (09022015). Collection method: clinical testing. Allele origin: germline.

NM_003072.5(SMARCA4):c.3082-20C>T

Gene: SMARCA4 (SWI/SNF related BAF chromatin remodeling complex subunit ATPase 4; plus strand). Cytogenetic location: 19p13.2.
Variant type: single nucleotide variant.
Coding change: c.3082-20C>T on transcript NM_003072.5 (MANE Select); 20 bases into the intron before coding-DNA position 3082, C replaced by T.
Molecular consequence: intron variant.
Genome position (GRCh38, 1-based): chr19:11,025,402, C>T. VCF-style: chr19-11025402-C-T. GRCh37 (hg19) VCF-style: chr19-11136078-C-T.
Other names: c.3082-20C>T (NM_001128844.3, NM_001128849.3, NM_001128847.4 and 5 more transcripts).
Identifiers: ClinVar variation 1531504 (VCV001531504.9), dbSNP rs1440375175, ClinGen allele CA631761283.